The following is an entry in ClinVar:

NM_001042517.2(DIAPH3):c.3260-1G>A

Gene: DIAPH3 (diaphanous related formin 3; minus strand). Cytogenetic location: 13q21.2.
Variant type: single nucleotide variant.
Coding change: c.3260-1G>A on transcript NM_001042517.2 (MANE Select); the canonical splice acceptor site of the intron before coding-DNA position 3260, G replaced by A.
Molecular consequence: splice acceptor variant.
Genome position (GRCh38, 1-based): chr13:59,774,249, C>T on the plus strand (G>A on the coding strand, the complement: DIAPH3 is on the minus strand). VCF-style: chr13-59774249-C-T. GRCh37 (hg19) VCF-style: chr13-60348383-C-T.
Other names: c.3050-1G>A (NM_001258368.2); c.3122-1G>A (NM_001258367.2); c.3227-1G>A (NM_001258366.2); c.3260-1G>A (NM_001258369.2); c.2471-1G>A (NM_030932.4).
Identifiers: ClinVar variation 1306148 (VCV001306148.2), dbSNP rs1361545813, ClinGen allele CA388327245.

ClinVar aggregate classification (germline): Uncertain significance (1 of 4 stars; one submission).

Allele frequency attached by ClinVar (database versions not stated): gnomAD exomes below 0.00001; TOPMed 0.00001.
gnomAD v4.1: 1 of 1,609,434 alleles (0.000062%); highest among the groups gnomAD compares: Middle Eastern, 0.017%; no homozygotes.

Submission:

GeneDx
Classification: Uncertain significance. Last evaluated: 2019-05-31. Review status: criteria provided, single submitter. Criteria: GeneDx Variant Classification Process June 2021. Collection method: clinical testing. Allele origin: germline. Affected: yes.
Comment: Canonical splice site variant predicted to result in an in-frame deletion of exon 27; Not observed in large population cohorts (Lek et al., 2016); Has not been previously published as pathogenic or benign to our knowledge